The following is an entry in ClinVar:

NM_032609.3(COX4I2):c.86G>A (p.Arg29His)

Gene: COX4I2 (cytochrome c oxidase subunit 4I2; plus strand). Cytogenetic location: 20q11.21.
Variant type: single nucleotide variant.
Coding change: c.86G>A on transcript NM_032609.3 (MANE Select); coding-DNA position 86, G replaced by A.
Protein change: p.Arg29His; replaces arginine 29 with histidine.
Molecular consequence: missense variant.
Genome position (GRCh38, 1-based): chr20:31,639,936, G>A. VCF-style: chr20-31639936-G-A. GRCh37 (hg19) VCF-style: chr20-30227739-G-A.
Other names: short protein forms R29H.
Identifiers: ClinVar variation 2908703 (VCV002908703.4), dbSNP rs769650713, ClinGen allele CA9801868.

ClinVar aggregate classification (germline): Uncertain significance. Review status: criteria provided, multiple submitters, no conflicts (2 of 4 stars). 2 submissions from 2 submitters: Uncertain significance (2). Last evaluated 2024-12-02.

Allele frequency attached by ClinVar (database versions not stated): gnomAD 0.00001; gnomAD exomes 0.00001; TOPMed 0.00002; ExAC 0.00003.

Submissions (2):

Labcorp Genetics (formerly Invitae), Labcorp
Classification: Uncertain significance. Last evaluated: 2024-12-02. Review status: criteria provided, single submitter. Criteria: Invitae Variant Classification Sherloc (09022015). Collection method: clinical testing. Allele origin: germline.
Comment: This sequence change replaces arginine, which is basic and polar, with histidine, which is basic and polar, at codon 29 of the COX4I2 protein (p.Arg29His). This variant is present in population databases (rs769650713, gnomAD 0.02%). This variant has not been reported in the literature in individuals affected with COX4I2-related conditions. ClinVar contains an entry for this variant (Variation ID: 2908703). An algorithm developed to predict the effect of missense changes on protein structure and function outputs the following: PolyPhen-2: "Benign". The histidine amino acid residue is found in multiple mammalian species, which suggests that this missense change does not adversely affect protein function. In summary, the available evidence is currently insufficient to determine the role of this variant in disease. Therefore, it has been classified as a Variant of Uncertain Significance.

Breakthrough Genomics
Classification: Uncertain significance. Review status: criteria provided, single submitter. Criteria: ACMG Guidelines, 2015. Collection method: not provided. Allele origin: germline. Inheritance: Autosomal dominant inheritance. Affected: yes.